The following is an entry in ClinVar:

ClinVar aggregate classification (germline): Likely benign. Review status: criteria provided, single submitter (1 of 4 stars). 2 submissions from 2 submitters: Likely benign (1). 1 of the submissions does not count toward it. Last evaluated 2024-12-18.

Conditions:
IFT74-related disorder. Also called: IFT74-related condition; IFT74-Related Disorders.

Allele frequency attached by ClinVar (database versions not stated): gnomAD exomes 0.00001; ExAC 0.00002; gnomAD 0.00007; TOPMed 0.00008; 1000 Genomes Project 0.00020; 1000 Genomes Project 30x 0.00031.
gnomAD v4.1: 21 of 1,613,584 alleles (0.0013%); highest among the groups gnomAD compares: African/African-American, 0.028%; no homozygotes.

Submissions (2):

Labcorp Genetics (formerly Invitae), Labcorp
Classification: Likely benign. Last evaluated: 2024-12-18. Review status: criteria provided, single submitter. Criteria: Invitae Variant Classification Sherloc (09022015). Collection method: clinical testing. Allele origin: germline.

PreventionGenetics, part of Exact Sciences
Classification: Likely benign for IFT74-related condition. Last evaluated: 2020-11-02. Review status: no assertion criteria provided. Collection method: clinical testing. Allele origin: germline. Not counted in ClinVar's aggregate classification.
Comment: This variant is classified as likely benign based on ACMG/AMP sequence variant interpretation guidelines (Richards et al. 2015 PMID: 25741868, with internal and published modifications).

NM_025103.4(IFT74):c.181C>T (p.Leu61=)

Gene: IFT74 (intraflagellar transport 74; plus strand). Cytogenetic location: 9p21.2.
Variant type: single nucleotide variant.
Coding change: c.181C>T on transcript NM_025103.4 (MANE Select); coding-DNA position 181, C replaced by T.
Protein change: p.Leu61=; no amino-acid change (leucine 61 retained).
Molecular consequence: synonymous variant.
Genome position (GRCh38, 1-based): chr9:26,978,188, C>T. VCF-style: chr9-26978188-C-T. GRCh37 (hg19) VCF-style: chr9-26978186-C-T.
Other names: c.181C>T, p.Leu61= (NM_001099222.3, NM_001099223.3, NM_001099224.3 and 1 more transcripts); c.181C>T (NM_025103.2).
Identifiers: ClinVar variation 1986849 (VCV001986849.6), dbSNP rs561610559, ClinGen allele CA5014842.
Genomic context (GRCh38, chr9:26,978,188, plus strand): 5'-ATGCCACCTGGGACAGCAAGACCAGGTTCTCGTGGTTGTCCCATAGGGACTGGTGGAGTT[C>T]TGTCTTCTCAAATCAAAGTTGCCCATCGCCCTGTAACACAACAAGGTTTGACTGGAATGA-3'
Protein context (NP_079379.2, residues 51-71): RGCPIGTGGV[Leu61=]SSQIKVAHRP